The following is an entry in ClinVar:

ClinVar aggregate classification (germline): Uncertain significance (1 of 4 stars; one submission).

gnomAD v4.1: 2 of 1,211,794 alleles (0.00017%); highest among the groups gnomAD compares: Non-Finnish European, 0.00022%; no homozygotes.

Submission:

Labcorp Genetics (formerly Invitae), Labcorp
Classification: Uncertain significance. Last evaluated: 2025-06-19. Review status: criteria provided, single submitter. Criteria: Invitae Variant Classification Sherloc (09022015). Collection method: clinical testing. Allele origin: germline.
Comment: This sequence change replaces aspartic acid, which is acidic and polar, with glutamic acid, which is acidic and polar, at codon 753 of the AMER1 protein (p.Asp753Glu). This variant is not present in population databases (gnomAD no frequency). This variant has not been reported in the literature in individuals affected with AMER1-related conditions. ClinVar contains an entry for this variant (Variation ID: 3694524). An algorithm developed to predict the effect of missense changes on protein structure and function outputs the following: PolyPhen-2: "Benign". The glutamic acid amino acid residue is found in multiple mammalian species, which suggests that this missense change does not adversely affect protein function. In summary, the available evidence is currently insufficient to determine the role of this variant in disease. Therefore, it has been classified as a Variant of Uncertain Significance.

NM_152424.4(AMER1):c.2259T>A (p.Asp753Glu)

Gene: AMER1 (APC membrane recruitment protein 1; minus strand). Cytogenetic location: Xq11.2.
Variant type: single nucleotide variant.
Coding change: c.2259T>A on transcript NM_152424.4 (MANE Select); coding-DNA position 2259, T replaced by A.
Protein change: p.Asp753Glu; replaces aspartic acid 753 with glutamic acid.
Molecular consequence: missense variant.
Genome position (GRCh38, 1-based): chrX:64,191,028, A>T on the plus strand (T>A on the coding strand, the complement: AMER1 is on the minus strand). VCF-style: chrX-64191028-A-T. GRCh37 (hg19) VCF-style: chrX-63410908-A-T.
Other names: short protein forms D753E.
Identifiers: ClinVar variation 3694524 (VCV003694524.2).